The following is an entry in ClinVar:

ClinVar aggregate classification (germline): Uncertain significance. Review status: criteria provided, multiple submitters, no conflicts (2 of 4 stars). 2 submissions from 2 submitters: Uncertain significance (2). Last evaluated 2025-11-12.

Allele frequency attached by ClinVar (database versions not stated): ExAC 0.00001; gnomAD 0.00003; ESP Exome Variant Server 0.00008.
gnomAD v4.1: 4 of 1,612,612 alleles (0.00025%); highest among the groups gnomAD compares: African/African-American, 0.0053%; no homozygotes.

Submissions (2):

Ambry Genetics
Classification: Uncertain significance. Last evaluated: 2025-11-12. Review status: criteria provided, single submitter. Criteria: Ambry Variant Classification Scheme 2023. Collection method: clinical testing. Allele origin: germline.

Labcorp Genetics (formerly Invitae), Labcorp
Classification: Uncertain significance. Last evaluated: 2023-01-28. Review status: criteria provided, single submitter. Criteria: Invitae Variant Classification Sherloc (09022015). Collection method: clinical testing. Allele origin: germline.
Comment: In summary, the available evidence is currently insufficient to determine the role of this variant in disease. Therefore, it has been classified as a Variant of Uncertain Significance. Algorithms developed to predict the effect of missense changes on protein structure and function output the following: SIFT: "Tolerated"; PolyPhen-2: "Benign"; Align-GVGD: "Class C0". The isoleucine amino acid residue is found in multiple mammalian species, which suggests that this missense change does not adversely affect protein function. This variant has not been reported in the literature in individuals affected with IL6ST-related conditions. This variant is present in population databases (rs368013040, gnomAD 0.01%). This sequence change replaces leucine, which is neutral and non-polar, with isoleucine, which is neutral and non-polar, at codon 97 of the IL6ST protein (p.Leu97Ile).

NM_002184.4(IL6ST):c.289T>A (p.Leu97Ile)

Gene: IL6ST (interleukin 6 cytokine family signal transducer; minus strand). Cytogenetic location: 5q11.2.
Variant type: single nucleotide variant.
Coding change: c.289T>A on transcript NM_002184.4 (MANE Select); coding-DNA position 289, T replaced by A.
Protein change: p.Leu97Ile; replaces leucine 97 with isoleucine.
Molecular consequence: missense variant. On other transcripts: 5 prime UTR variant (3), non-coding transcript variant (2), intron variant (1).
Genome position (GRCh38, 1-based): chr5:55,969,631, A>T on the plus strand (T>A on the coding strand, the complement: IL6ST is on the minus strand). VCF-style: chr5-55969631-A-T. GRCh37 (hg19) VCF-style: chr5-55265459-A-T.
Other names: c.289T>A, p.Leu97Ile (NM_001190981.2, NM_001364275.2, NM_175767.3); c.-504T>A (NM_001364277.2, NM_001364279.2); c.-494T>A (NM_001364278.2); c.160+129T>A (NM_001364276.2); short protein forms L97I.
Identifiers: ClinVar variation 2309758 (VCV002309758.6), dbSNP rs368013040, ClinGen allele CA3271735.